The following is an entry in ClinVar:

ClinVar aggregate classification (germline): Uncertain significance (1 of 4 stars; one submission).

Submission:

Labcorp Genetics (formerly Invitae), Labcorp
Classification: Uncertain significance. Last evaluated: 2026-01-26. Review status: criteria provided, single submitter. Criteria: Invitae Variant Classification Sherloc (09022015). Collection method: clinical testing. Allele origin: germline.
Comment: This sequence change replaces alanine, which is neutral and non-polar, with valine, which is neutral and non-polar, at codon 246 of the PITX3 protein (p.Ala246Val). The frequency data for this variant in the population databases is considered unreliable, as metrics indicate poor data quality at this position in the gnomAD database. This variant has not been reported in the literature in individuals affected with PITX3-related conditions. An algorithm developed to predict the effect of missense changes on protein structure and function (PolyPhen-2) suggests that this variant is likely to be disruptive. In summary, the available evidence is currently insufficient to determine the role of this variant in disease. Therefore, it has been classified as a Variant of Uncertain Significance.

NM_005029.4(PITX3):c.737C>T (p.Ala246Val)

Genes: GBF1 (golgi brefeldin A resistant guanine nucleotide exchange factor 1; plus strand), PITX3 (paired like homeodomain 3; minus strand), LOC130004591 (ATAC-STARR-seq lymphoblastoid silent region 2753; plus strand). Cytogenetic location: 10q24.32.
Variant type: single nucleotide variant.
Coding change: c.737C>T on transcript NM_005029.4 (MANE Select); coding-DNA position 737, C replaced by T.
Protein change: p.Ala246Val; replaces alanine 246 with valine.
Molecular consequence: missense variant. On other transcripts: 5 prime UTR variant (2).
Genome position (GRCh38, 1-based): chr10:102,230,686, G>A on the plus strand (C>T on the coding strand, the complement: PITX3 is on the minus strand). VCF-style: chr10-102230686-G-A. GRCh37 (hg19) VCF-style: chr10-103990443-G-A.
Other names: c.-241G>A (NM_001391923.1); c.-379G>A (NM_001391924.1); short protein forms A246V.
Identifiers: ClinVar variation 4803778 (VCV004803778.1).
Genomic context (GRCh38, chr10:102,230,686, plus strand): 5'-CTGGCCAGGCTCGAGTTACACGGGTCCCGATAGACGTAGGGGGAAGAGGCGGCAGCCGCG[G>A]CGGCGGCGGCGGCCGAGGCATAAGGGCAGGACACGGCCCCGGAGGACACGGCGGCCGGAG-3'
Protein context (NP_005020.1, residues 236-256): SCPYASAAAA[Ala246Val]AAAASSPYVY